The following is an entry in ClinVar:

ClinVar aggregate classification (germline): Pathogenic (1 of 4 stars; one submission).

Submission:

Labcorp Genetics (formerly Invitae), Labcorp
Classification: Pathogenic. Last evaluated: 2025-12-01. Review status: criteria provided, single submitter. Criteria: Invitae Variant Classification Sherloc (09022015). Collection method: clinical testing. Allele origin: germline.
Comment: This sequence change creates a premature translational stop signal (p.Cys131*) in the EDNRB gene. It is expected to result in an absent or disrupted protein product. Loss-of-function variants in EDNRB are known to be pathogenic (PMID: 8001159, 10528251, 20127975, 30394532). This variant is not present in population databases (gnomAD no frequency). This variant has not been reported in the literature in individuals affected with EDNRB-related conditions. For these reasons, this variant has been classified as Pathogenic.

Literature cited by the submitters: PubMed 8001159; PubMed 10528251; PubMed 20127975; PubMed 30394532.

NM_001122659.3(EDNRB):c.393C>A (p.Cys131Ter)

Gene: EDNRB (endothelin receptor type B; minus strand). Cytogenetic location: 13q22.3.
Variant type: single nucleotide variant.
Coding change: c.393C>A on transcript NM_001122659.3 (MANE Select); coding-DNA position 393, C replaced by A.
Protein change: p.Cys131Ter; replaces cysteine 131 with a stop codon.
Molecular consequence: nonsense.
Genome position (GRCh38, 1-based): chr13:77,918,181, G>T on the plus strand (C>A on the coding strand, the complement: EDNRB is on the minus strand). VCF-style: chr13-77918181-G-T. GRCh37 (hg19) VCF-style: chr13-78492316-G-T.
Other names: c.393C>A, p.Cys131Ter (NM_000115.5, NM_003991.4); c.663C>A, p.Cys221Ter (NM_001201397.2); short protein forms C221*, C131*.
Identifiers: ClinVar variation 4729957 (VCV004729957.1).